The following is an entry in ClinVar:

NM_001039141.3(TRIOBP):c.5765G>A (p.Arg1922Gln)

Gene: TRIOBP (TRIO and F-actin binding protein; plus strand). Cytogenetic location: 22q13.1.
Variant type: single nucleotide variant.
Coding change: c.5765G>A on transcript NM_001039141.3 (MANE Select); coding-DNA position 5765, G replaced by A.
Protein change: p.Arg1922Gln; replaces arginine 1922 with glutamine.
Molecular consequence: missense variant.
Genome position (GRCh38, 1-based): chr22:37,757,690, G>A. VCF-style: chr22-37757690-G-A. GRCh37 (hg19) VCF-style: chr22-38153697-G-A.
Other names: c.626G>A, p.Arg209Gln (NM_007032.5, NM_138632.2); short protein forms R1922Q, R209Q.
Identifiers: ClinVar variation 1214590 (VCV001214590.4), dbSNP rs527996515, ClinGen allele CA10224809.

ClinVar aggregate classification (germline): Uncertain significance. Review status: criteria provided, multiple submitters, no conflicts (2 of 4 stars). 2 submissions from 2 submitters: Uncertain significance (2). Last evaluated 2026-08-11.

Conditions:
TRIOBP-related disorder. Also called: TRIOBP-related condition.

Allele frequency attached by ClinVar (database versions not stated): gnomAD 0.00001; gnomAD exomes 0.00002; TOPMed 0.00002; ExAC 0.00003; 1000 Genomes Project 30x 0.00016; 1000 Genomes Project 0.00020.
gnomAD v4.1: 20 of 1,585,460 alleles (0.0013%); highest among the groups gnomAD compares: Admixed American, 0.0072%; no homozygotes.

Submissions (2):

PreventionGenetics, part of Exact Sciences
Classification: Uncertain significance for TRIOBP-related condition. Last evaluated: 2026-08-11. Review status: criteria provided, single submitter. Criteria: ACMG Guidelines, 2015. Collection method: clinical testing. Allele origin: germline.
Comment: The TRIOBP c.5765G>A variant is predicted to result in the amino acid substitution p.Arg1922Gln. To our knowledge, this variant has not been reported in the literature. This variant is reported in 0.0068% of alleles in individuals of Latino descent in gnomAD. At this time, the clinical significance of this variant is uncertain due to the absence of conclusive functional and genetic evidence.

GeneDx
Classification: Uncertain significance. Last evaluated: 2021-01-27. Review status: criteria provided, single submitter. Criteria: GeneDx Variant Classification Process June 2021. Collection method: clinical testing. Allele origin: germline. Affected: yes.
Comment: Not observed at a significant frequency in large population cohorts (Lek et al., 2016); In silico analysis, which includes protein predictors and evolutionary conservation, supports that this variant does not alter protein structure/function; Has not been previously published as pathogenic or benign to our knowledge